The following is an entry in ClinVar:

ClinVar aggregate classification (germline): Likely pathogenic (1 of 4 stars; one submission).

Conditions:
Autosomal dominant limb-girdle muscular dystrophy type 1D (DNAJB6) (LGMDD1). Also called: MUSCULAR DYSTROPHY, LIMB-GIRDLE, TYPE 1D; Autosomal dominant limb-girdle muscular dystrophy type 1D; Muscular dystrophy, limb-girdle, autosomal dominant 1; MUSCULAR DYSTROPHY, AUTOSOMAL DOMINANT, WITH RIMMED VACUOLES. Identifiers: Orphanet 34516, MedGen C4721885, MONDO:0021018, OMIM 603511.

Allele frequency attached by ClinVar (database versions not stated): TOPMed 0.00001.

Submission:

Diagnostics Services (NGS), CSIR - Centre For Cellular And Molecular Biology
Classification: Likely pathogenic for Autosomal dominant limb-girdle muscular dystrophy type 1D (DNAJB6). Last evaluated: 2020-03-06. Review status: criteria provided, single submitter. Criteria: ACMG Guidelines, 2015. Collection method: clinical testing. Allele origin: unknown. Inheritance: Autosomal dominant inheritance. Affected: yes. Observed: 1 heterozygote.
Comment: The c.236G>A variant is not present in publicly available databases like 1000 Genomes, Exome Variant Server (EVS), Exome Aggregation Consortium (ExAC), Genome Aggregation Database (gnomAD) and dbSNP. The variant is not present in our in-house exome database. The variant was reported earlier to OMIM, or ClinVar or Human Genome Mutation Database (HGMD) in any affected individuals. In-silico pathogenicity prediction programs like Polyphen2, MutationTaster2, CADD etc. predicted this variant to be likely deleterious. The variant occurs in the early exonic position (first nucleotide of exon 5) and may affect the splicing as also predicted by online program Human Splicing Finder version 3.1 (HSF3.1), however functional studies were not done to prove it's splicing effect. The variant has been classified as likely pathogenic as per the ACMG guidelines.

NM_058246.4(DNAJB6):c.236G>A (p.Gly79Asp)

Gene: DNAJB6 (DnaJ heat shock protein family (Hsp40) member B6; plus strand). Cytogenetic location: 7q36.3.
Variant type: single nucleotide variant.
Coding change: c.236G>A on transcript NM_058246.4 (MANE Select); coding-DNA position 236, G replaced by A.
Protein change: p.Gly79Asp; replaces glycine 79 with aspartic acid.
Molecular consequence: missense variant.
Genome position (GRCh38, 1-based): chr7:157,367,373, G>A. VCF-style: chr7-157367373-G-A. GRCh37 (hg19) VCF-style: chr7-157160067-G-A.
Other names: c.236G>A, p.Gly79Asp (NM_001363676.1, NM_005494.3); short protein forms G79D.
Identifiers: ClinVar variation 830317 (VCV000830317.5), dbSNP rs575938861, ClinGen allele CA370166023.
Genomic context (GRCh38, chr7:157,367,373, plus strand): 5'-AATTCTTTGCCTACAAAGCACCAAAATTCATAAACTAAAAGCTGTGTTGTATTTGTGCAG[G>A]TGGAAGTCATTTTGACAGTCCATTTGAATTTGGCTTCACATTCCGTAACCCAGATGATGT-3'
Protein context (NP_490647.1, residues 69-89): GKEGLNGGGG[Gly79Asp]GSHFDSPFEF